The following is an entry in ClinVar:

NM_001394998.1(TANC2):c.5741A>C (p.Gln1914Pro)

Gene: TANC2 (tetratricopeptide repeat, ankyrin repeat and coiled-coil containing 2; plus strand). Cytogenetic location: 17q23.3.
Variant type: single nucleotide variant.
Coding change: c.5741A>C on transcript NM_001394998.1 (MANE Select); coding-DNA position 5741, A replaced by C.
Protein change: p.Gln1914Pro; replaces glutamine 1914 with proline.
Molecular consequence: missense variant.
Genome position (GRCh38, 1-based): chr17:63,421,471, A>C. VCF-style: chr17-63421471-A-C. GRCh37 (hg19) VCF-style: chr17-61498832-A-C.
Other names: c.5519A>C, p.Gln1840Pro (NM_001411076.1); c.5489A>C, p.Gln1830Pro (NM_025185.4); short protein forms Q1830P, Q1840P, Q1914P.
Identifiers: ClinVar variation 4823336 (VCV004823336.4).

ClinVar aggregate classification (germline): Uncertain significance (1 of 4 stars; one submission).

gnomAD v4.1: 3 of 1,613,922 alleles (0.00019%); highest among the groups gnomAD compares: Non-Finnish European, 0.00025%; no homozygotes.

Submission:

CeGaT Center for Human Genetics Tuebingen
Classification: Uncertain significance. Last evaluated: 2026-02-01. Review status: criteria provided, single submitter. Criteria: CeGaT Center For Human Genetics Tuebingen Variant Classification Criteria Version 2. Collection method: clinical testing. Allele origin: germline. Affected: yes. Observed: 1 variant allele.
Comment: TANC2: PM2